The following is an entry in ClinVar:

NM_001040108.2(MLH3):c.2198T>C (p.Leu733Ser)

Gene: MLH3 (mutL homolog 3; minus strand). Cytogenetic location: 14q24.3.
Variant type: single nucleotide variant.
Coding change: c.2198T>C on transcript NM_001040108.2 (MANE Select); coding-DNA position 2198, T replaced by C.
Protein change: p.Leu733Ser; replaces leucine 733 with serine.
Molecular consequence: missense variant.
Genome position (GRCh38, 1-based): chr14:75,047,458, A>G on the plus strand (T>C on the coding strand, the complement: MLH3 is on the minus strand). VCF-style: chr14-75047458-A-G. GRCh37 (hg19) VCF-style: chr14-75514161-A-G.
Other names: c.2198T>C, p.Leu733Ser (NM_014381.3); short protein forms L733S.
Identifiers: ClinVar variation 1787524 (VCV001787524.2), dbSNP rs1892324163, ClinGen allele CA390441228.

ClinVar aggregate classification (germline): Uncertain significance (1 of 4 stars; one submission).

Allele frequency attached by ClinVar (database versions not stated): TOPMed below 0.00001; gnomAD 0.00001.

Submission:

Ambry Genetics
Classification: Uncertain significance. Last evaluated: 2022-05-16. Review status: criteria provided, single submitter. Criteria: Ambry Variant Classification Scheme 2023. Collection method: clinical testing. Allele origin: germline.
Comment: The p.L733S variant (also known as c.2198T>C), located in coding exon 1 of the MLH3 gene, results from a T to C substitution at nucleotide position 2198. The leucine at codon 733 is replaced by serine, an amino acid with dissimilar properties. This amino acid position is conserved. In addition, this alteration is predicted to be tolerated by in silico analysis. Since supporting evidence is limited at this time, the clinical significance of this alteration remains unclear.